The following is an entry in ClinVar:

ClinVar aggregate classification (germline): Uncertain significance (1 of 4 stars; one submission).

Conditions:
Hereditary cancer-predisposing syndrome. Also called: Tumor predisposition; Hereditary neoplastic syndrome; Neoplastic Syndromes, Hereditary; Hereditary Cancer Syndrome. Identifiers: Orphanet 140162, MedGen C0027672, MeSH D009386, MONDO:0015356.

Submission:

Ambry Genetics
Classification: Uncertain significance for Hereditary cancer-predisposing syndrome. Last evaluated: 2025-04-09. Review status: criteria provided, single submitter. Criteria: Ambry Variant Classification Scheme 2023. Collection method: clinical testing. Allele origin: germline.
Comment: The p.K529N variant (also known as c.1587G>T), located in coding exon 13 of the BAP1 gene, results from a G to T substitution at nucleotide position 1587. The lysine at codon 529 is replaced by asparagine, an amino acid with similar properties. This amino acid position is conserved. In addition, this alteration is predicted to be tolerated by in silico analysis. Based on the available evidence, the clinical significance of this variant remains unclear.

NM_004656.4(BAP1):c.1587G>T (p.Lys529Asn)

Gene: BAP1 (BRCA1 associated deubiquitinase 1; minus strand). Cytogenetic location: 3p21.1.
Variant type: single nucleotide variant.
Coding change: c.1587G>T on transcript NM_004656.4 (MANE Select); coding-DNA position 1587, G replaced by T.
Protein change: p.Lys529Asn; replaces lysine 529 with asparagine.
Molecular consequence: missense variant.
Genome position (GRCh38, 1-based): chr3:52,403,558, C>A on the plus strand (G>T on the coding strand, the complement: BAP1 is on the minus strand). VCF-style: chr3-52403558-C-A. GRCh37 (hg19) VCF-style: chr3-52437574-C-A.
Other names: c.1533G>T, p.Lys511Asn (NM_001410772.1); short protein forms K529N, K511N.
Identifiers: ClinVar variation 3986848 (VCV003986848.1).